The following is an entry in ClinVar:

ClinVar aggregate classification (germline): Uncertain significance (1 of 4 stars; one submission).

Conditions:
Epidermodysplasia verruciformis. Identifiers: Orphanet 302, MedGen C0014522, MONDO:0009176.

Allele frequency attached by ClinVar (database versions not stated): TOPMed below 0.00001; gnomAD 0.00003; ExAC 0.00005.

Submission:

Labcorp Genetics (formerly Invitae), Labcorp
Classification: Uncertain significance for Epidermodysplasia verruciformis. Last evaluated: 2021-12-31. Review status: criteria provided, single submitter. Criteria: Invitae Variant Classification Sherloc (09022015). Collection method: clinical testing. Allele origin: germline.
Comment: This sequence change replaces proline, which is neutral and non-polar, with serine, which is neutral and polar, at codon 795 of the TMC6 protein (p.Pro795Ser). The frequency data for this variant in the population databases is considered unreliable, as metrics indicate poor data quality at this position in the gnomAD database. This variant has not been reported in the literature in individuals affected with TMC6-related conditions. ClinVar contains an entry for this variant (Variation ID: 659016). Algorithms developed to predict the effect of missense changes on protein structure and function are either unavailable or do not agree on the potential impact of this missense change (SIFT: "Not Available"; PolyPhen-2: "Benign"; Align-GVGD: "Not Available"). In summary, the available evidence is currently insufficient to determine the role of this variant in disease. Therefore, it has been classified as a Variant of Uncertain Significance.

NM_001127198.5(TMC6):c.2383C>T (p.Pro795Ser)

Gene: TMC6 (transmembrane channel like 6; minus strand). Cytogenetic location: 17q25.3.
Variant type: single nucleotide variant.
Coding change: c.2383C>T on transcript NM_001127198.5 (MANE Select); coding-DNA position 2383, C replaced by T.
Protein change: p.Pro795Ser; replaces proline 795 with serine.
Molecular consequence: missense variant. On other transcripts: non-coding transcript variant (4).
Genome position (GRCh38, 1-based): chr17:78,113,183, G>A on the plus strand (C>T on the coding strand, the complement: TMC6 is on the minus strand). VCF-style: chr17-78113183-G-A. GRCh37 (hg19) VCF-style: chr17-76109264-G-A.
Other names: c.2383C>T, p.Pro795Ser (NM_001321185.1, NM_001374596.1, NM_001375353.1 and 2 more transcripts); c.2203C>T, p.Pro735Ser (NM_001374593.1, NM_001374594.1); short protein forms P795S, P735S.
Identifiers: ClinVar variation 659016 (VCV000659016.6), dbSNP rs755596766, ClinGen allele CA8795284.